The following is an entry in ClinVar:

NM_022455.5(NSD1):c.5183C>T (p.Ala1728Val)

Gene: NSD1 (nuclear receptor binding SET domain protein 1; plus strand). Cytogenetic location: 5q35.3.
Variant type: single nucleotide variant.
Coding change: c.5183C>T on transcript NM_022455.5 (MANE Select); coding-DNA position 5183, C replaced by T.
Protein change: p.Ala1728Val; replaces alanine 1728 with valine.
Molecular consequence: missense variant.
Genome position (GRCh38, 1-based): chr5:177,267,598, C>T. VCF-style: chr5-177267598-C-T. GRCh37 (hg19) VCF-style: chr5-176694599-C-T.
Other names: c.4310C>T, p.Ala1437Val (NM_001365684.2, NM_001409308.1, NM_001409309.1 and 1 more transcripts); c.5183C>T, p.Ala1728Val (NM_001409301.1, NM_001409302.1, NM_001409303.1); c.4763C>T, p.Ala1588Val (NM_001409304.1); c.4430C>T, p.Ala1477Val (NM_001409305.1); c.4421C>T, p.Ala1474Val (NM_001409306.1, NM_001409307.1); short protein forms A1437V, A1474V, A1477V, A1588V, A1728V.
Identifiers: ClinVar variation 3371814 (VCV003371814.1).

ClinVar aggregate classification (germline): Uncertain significance (1 of 4 stars; one submission).

Submission:

GeneDx
Classification: Uncertain significance. Last evaluated: 2024-04-01. Review status: criteria provided, single submitter. Criteria: GeneDx Variant Classification Process June 2021. Collection method: clinical testing. Allele origin: germline. Affected: yes.
Comment: Not observed at significant frequency in large population cohorts (gnomAD); In silico analysis supports that this missense variant has a deleterious effect on protein structure/function; Has not been previously published as pathogenic or benign to our knowledge; This variant is associated with the following publications: (PMID: 30719864)